The following is an entry in ClinVar:

NM_018100.4(EFHC1):c.475C>T (p.Arg159Trp)

Gene: EFHC1 (EF-hand domain containing 1; plus strand). Cytogenetic location: 6p12.2.
Variant type: single nucleotide variant.
Coding change: c.475C>T on transcript NM_018100.4 (MANE Select); coding-DNA position 475, C replaced by T.
Protein change: p.Arg159Trp; replaces arginine 159 with tryptophan.
Molecular consequence: missense variant. On other transcripts: non-coding transcript variant (1).
Genome position (GRCh38, 1-based): chr6:52,438,493, C>T. VCF-style: chr6-52438493-C-T. GRCh37 (hg19) VCF-style: chr6-52303291-C-T.
Other names: c.418C>T, p.Arg140Trp (NM_001172420.2); short protein forms R159W, R140W.
Identifiers: ClinVar variation 128968 (VCV000128968.20), dbSNP rs3804506, ClinGen allele CA152691.

ClinVar aggregate classification (germline): Benign/Likely benign. Review status: criteria provided, multiple submitters, no conflicts (2 of 4 stars). 6 submissions from 6 submitters: Benign (4); Likely benign (1). 1 of the submissions does not count toward it. Last evaluated 2026-01-26.

Conditions:
Absence seizure. Also called: Absence epilepsy. Identifiers: Orphanet 1941, MedGen C0014553.
Myoclonic epilepsy, juvenile, susceptibility to, 1. Also called: Myoclonic Epilepsy, Juvenile, 1; EJM1. Identifiers: MedGen C1850778, MONDO:0020752, OMIM 254770.
Juvenile myoclonic epilepsy (EJM). Also called: PETIT MAL, IMPULSIVE; JANZ SYNDROME. Identifiers: Orphanet 307, MedGen C0270853, MONDO:0009696.

Allele frequency attached by ClinVar (database versions not stated): 1000 Genomes Project 0.06889; 1000 Genomes Project 30x 0.07011; TOPMed 0.09797; ESP Exome Variant Server 0.10034.
gnomAD v4.1: 181,436 of 1,613,778 alleles (11%); highest among the groups gnomAD compares: Middle Eastern, 23%; 11,090 homozygotes.

Submissions (6):

Labcorp Genetics (formerly Invitae), Labcorp
Classification: Benign for Myoclonic epilepsy, juvenile, susceptibility to, 1; Absence seizure. Last evaluated: 2026-01-26. Review status: criteria provided, single submitter. Criteria: Invitae Variant Classification Sherloc (09022015). Collection method: clinical testing. Allele origin: germline.

Athena Diagnostics
Classification: Benign for Myoclonic epilepsy, juvenile, susceptibility to, 1. Last evaluated: 2017-05-04. Review status: criteria provided, single submitter. Criteria: Athena Diagnostics Criteria. Collection method: clinical testing. Allele origin: germline.

GeneDx
Classification: Benign. Last evaluated: 2015-03-03. Review status: criteria provided, single submitter. Criteria: GeneDx Variant Classification Process June 2021. Collection method: clinical testing. Allele origin: germline. Affected: yes.

Breakthrough Genomics
Classification: Likely benign. Review status: criteria provided, single submitter. Criteria: ACMG Guidelines, 2015. Collection method: not provided. Allele origin: germline. Inheritance: Autosomal dominant inheritance. Affected: yes.

PreventionGenetics, part of Exact Sciences
Classification: Benign. Review status: criteria provided, single submitter. Criteria: ACMG Guidelines, 2015. Collection method: clinical testing. Allele origin: germline.

Genetic Services Laboratory, University of Chicago
Classification: Likely benign for AllHighlyPenetrant. Review status: no assertion criteria provided. Collection method: clinical testing. Allele origin: germline. Not counted in ClinVar's aggregate classification.
Comment: Likely benign based on allele frequency in 1000 Genomes Project or ESP global frequency and its presence in a patient with a rare or unrelated disease phenotype. NOT Sanger confirmed.